The following is an entry in ClinVar:

NM_018319.4(TDP1):c.1337A>G (p.Asn446Ser)

Gene: TDP1 (tyrosyl-DNA phosphodiesterase 1; plus strand). Cytogenetic location: 14q32.11.
Variant type: single nucleotide variant.
Coding change: c.1337A>G on transcript NM_018319.4 (MANE Select); coding-DNA position 1337, A replaced by G.
Protein change: p.Asn446Ser; replaces asparagine 446 with serine.
Molecular consequence: missense variant.
Genome position (GRCh38, 1-based): chr14:89,989,736, A>G. VCF-style: chr14-89989736-A-G. GRCh37 (hg19) VCF-style: chr14-90456080-A-G.
Other names: p.Asn446Ser; c.1337A>G, p.Asn446Ser (NM_001008744.2, NM_001330205.2); short protein forms N446S.
Identifiers: ClinVar variation 2683274 (VCV002683274.1), dbSNP rs749071619, ClinGen allele CA7303918.

ClinVar aggregate classification (germline): Uncertain significance (1 of 4 stars; one submission).

Allele frequency attached by ClinVar (database versions not stated): gnomAD 0.00001.

Submission:

Mayo Clinic Laboratories, Mayo Clinic
Classification: Uncertain significance. Last evaluated: 2022-02-28. Review status: criteria provided, single submitter. Criteria: ACMG Guidelines, 2015. Collection method: clinical testing. Allele origin: germline. Observed: 1 variant allele.
Comment: PM2